The following is an entry in ClinVar:

ClinVar aggregate classification (germline): Uncertain significance (1 of 4 stars; one submission).

Allele frequency attached by ClinVar (database versions not stated): gnomAD exomes 0.00001; gnomAD 0.00002 and 0.00003.
gnomAD v4.1: 17 of 1,119,442 alleles (0.0015%); highest among the groups gnomAD compares: South Asian, 0.0025%; no homozygotes.

Submission:

GeneDx
Classification: Uncertain significance. Last evaluated: 2022-02-17. Review status: criteria provided, single submitter. Criteria: GeneDx Variant Classification Process June 2021. Collection method: clinical testing. Allele origin: germline. Affected: yes.
Comment: Not observed at significant frequency in large population cohorts (gnomAD); In silico analysis supports that this missense variant does not alter protein structure/function; Has not been previously published as pathogenic or benign to our knowledge

NM_001128228.3(TPRN):c.280G>A (p.Ala94Thr)

Gene: TPRN (taperin; minus strand). Cytogenetic location: 9q34.3.
Variant type: single nucleotide variant.
Coding change: c.280G>A on transcript NM_001128228.3 (MANE Select); coding-DNA position 280, G replaced by A.
Protein change: p.Ala94Thr; replaces alanine 94 with threonine.
Molecular consequence: missense variant.
Genome position (GRCh38, 1-based): chr9:137,200,432, C>T on the plus strand (G>A on the coding strand, the complement: TPRN is on the minus strand). VCF-style: chr9-137200432-C-T. GRCh37 (hg19) VCF-style: chr9-140094884-C-T.
Other names: short protein forms A94T.
Identifiers: ClinVar variation 1342073 (VCV001342073.2), dbSNP rs1269740958, ClinGen allele CA375783829.
Genomic context (GRCh38, chr9:137,200,432, plus strand): 5'-CCGGGGCGGGCGGCGCGGGCGGGAAGCCGGGCACCGTCTCGATGATGAGGACGCTGTCGG[C>T]GCGGAGGGCGCGCACGCCAGGCACGCGGCGGTACCGCTCCAGCAGCCGCGCCCCCGCCGC-3'
Protein context (NP_001121700.2, residues 84-104): RRVPGVRALR[Ala94Thr]DSVLIIETVP